The following is an entry in ClinVar:

ClinVar aggregate classification (germline): Uncertain significance. Review status: criteria provided, multiple submitters, no conflicts (2 of 4 stars). 2 submissions from 2 submitters: Uncertain significance (2). Last evaluated 2025-10-05.

Conditions:
Hereditary cancer-predisposing syndrome. Also called: Hereditary neoplastic syndrome; Tumor predisposition; Neoplastic Syndromes, Hereditary; Hereditary Cancer Syndrome. Identifiers: Orphanet 140162, MedGen C0027672, MeSH D009386, MONDO:0015356.
Gorlin syndrome. Also called: Nevoid Basal Cell Carcinoma Syndrome; Basal cell nevus syndrome. Identifiers: Orphanet 377, MedGen C0004779, MONDO:0007187.
Medulloblastoma (MDB). Also called: MEDULLOBLASTOMA PREDISPOSITION SYNDROME; Medulloblastoma, somatic. Identifiers: Orphanet 616, MedGen C0025149, MeSH D008527, MONDO:0007959, OMIM 155255, HP:0002885.

Submissions (2):

Labcorp Genetics (formerly Invitae), Labcorp
Classification: Uncertain significance for Gorlin syndrome; Medulloblastoma. Last evaluated: 2025-10-05. Review status: criteria provided, single submitter. Criteria: Invitae Variant Classification Sherloc (09022015). Collection method: clinical testing. Allele origin: germline.
Comment: This sequence change replaces proline, which is neutral and non-polar, with leucine, which is neutral and non-polar, at codon 32 of the SUFU protein (p.Pro32Leu). This variant is not present in population databases (gnomAD no frequency). This variant has not been reported in the literature in individuals affected with SUFU-related conditions. ClinVar contains an entry for this variant (Variation ID: 1476901). Invitae Evidence Modeling of protein sequence and biophysical properties (such as structural, functional, and spatial information, amino acid conservation, physicochemical variation, residue mobility, and thermodynamic stability) indicates that this missense variant is not expected to disrupt SUFU protein function with a negative predictive value of 80%. In summary, the available evidence is currently insufficient to determine the role of this variant in disease. Therefore, it has been classified as a Variant of Uncertain Significance.

Ambry Genetics
Classification: Uncertain significance for Hereditary cancer-predisposing syndrome. Last evaluated: 2024-04-27. Review status: criteria provided, single submitter. Criteria: Ambry Variant Classification Scheme 2023. Collection method: clinical testing. Allele origin: germline.
Comment: The p.P32L variant (also known as c.95C>T), located in coding exon 1 of the SUFU gene, results from a C to T substitution at nucleotide position 95. The proline at codon 32 is replaced by leucine, an amino acid with similar properties. This amino acid position is conserved. In addition, the in silico prediction for this alteration is inconclusive. Based on the available evidence, the clinical significance of this variant remains unclear.

NM_016169.4(SUFU):c.95C>T (p.Pro32Leu)

Genes: SUFU (SUFU negative regulator of hedgehog signaling; plus strand), LOC130004614 (ATAC-STARR-seq lymphoblastoid silent region 2764; plus strand). Cytogenetic location: 10q24.32.
Variant type: single nucleotide variant.
Coding change: c.95C>T on transcript NM_016169.4 (MANE Select); coding-DNA position 95, C replaced by T.
Protein change: p.Pro32Leu; replaces proline 32 with leucine.
Molecular consequence: missense variant.
Genome position (GRCh38, 1-based): chr10:102,504,247, C>T. VCF-style: chr10-102504247-C-T. GRCh37 (hg19) VCF-style: chr10-104264004-C-T.
Other names: c.95C>T, p.Pro32Leu (NM_001178133.2); c.95C>T (NM_016169.3); short protein forms P32L.
Identifiers: ClinVar variation 1476901 (VCV001476901.7), dbSNP rs2135598107, ClinGen allele CA377886448.